The following is an entry in ClinVar:

ClinVar aggregate classification (germline): Uncertain significance. Review status: criteria provided, multiple submitters, no conflicts (2 of 4 stars). 3 submissions from 3 submitters: Uncertain significance (3). Last evaluated 2025-12-29.

Conditions:
Hereditary cancer-predisposing syndrome. Also called: Neoplastic Syndromes, Hereditary; Hereditary Cancer Syndrome; Tumor predisposition; Hereditary neoplastic syndrome. Identifiers: Orphanet 140162, MedGen C0027672, MeSH D009386, MONDO:0015356.

Allele frequency attached by ClinVar (database versions not stated): gnomAD exomes 0.00001 and 0.00002; ExAC 0.00004.
gnomAD v4.1: 8 of 1,613,276 alleles (0.0005%); highest among the groups gnomAD compares: Non-Finnish European, 0.00059%; no homozygotes.

Submissions (3):

Center for Genomic Medicine, Rigshospitalet, Copenhagen University Hospital
Classification: Uncertain significance. Last evaluated: 2025-12-29. Review status: criteria provided, single submitter. Criteria: ACMG Guidelines, 2015. Collection method: clinical testing. Allele origin: germline.

Ambry Genetics
Classification: Uncertain significance for Hereditary cancer-predisposing syndrome. Last evaluated: 2025-10-30. Review status: criteria provided, single submitter. Criteria: Ambry Variant Classification Scheme 2023. Collection method: clinical testing. Allele origin: germline.
Comment: The p.P1610T variant (also known as c.4828C>A), located in coding exon 37 of the POLE gene, results from a C to A substitution at nucleotide position 4828. The proline at codon 1610 is replaced by threonine, an amino acid with highly similar properties. This amino acid position is conserved. In addition, the in silico prediction for this alteration is inconclusive. Since supporting evidence is limited at this time, the clinical significance of this alteration remains unclear.

Labcorp Genetics (formerly Invitae), Labcorp
Classification: Uncertain significance. Last evaluated: 2024-05-18. Review status: criteria provided, single submitter. Criteria: Invitae Variant Classification Sherloc (09022015). Collection method: clinical testing. Allele origin: germline.
Comment: This sequence change replaces proline, which is neutral and non-polar, with threonine, which is neutral and polar, at codon 1610 of the POLE protein (p.Pro1610Thr). This variant is present in population databases (rs746333644, gnomAD 0.004%). This variant has not been reported in the literature in individuals affected with POLE-related conditions. ClinVar contains an entry for this variant (Variation ID: 943016). Advanced modeling of protein sequence and biophysical properties (such as structural, functional, and spatial information, amino acid conservation, physicochemical variation, residue mobility, and thermodynamic stability) performed at Invitae indicates that this missense variant is not expected to disrupt POLE protein function with a negative predictive value of 80%. In summary, the available evidence is currently insufficient to determine the role of this variant in disease. Therefore, it has been classified as a Variant of Uncertain Significance.

NM_006231.4(POLE):c.4828C>A (p.Pro1610Thr)

Gene: POLE (DNA polymerase epsilon, catalytic subunit; minus strand). Cytogenetic location: 12q24.33.
Variant type: single nucleotide variant.
Coding change: c.4828C>A on transcript NM_006231.4 (MANE Select); coding-DNA position 4828, C replaced by A.
Protein change: p.Pro1610Thr; replaces proline 1610 with threonine.
Molecular consequence: missense variant.
Genome position (GRCh38, 1-based): chr12:132,642,630, G>T on the plus strand (C>A on the coding strand, the complement: POLE is on the minus strand). VCF-style: chr12-132642630-G-T. GRCh37 (hg19) VCF-style: chr12-133219216-G-T.
Other names: c.4828C>A (NM_006231.2); short protein forms P1610T.
Identifiers: ClinVar variation 943016 (VCV000943016.11), dbSNP rs746333644, ClinGen allele CA6892701.